The following is an entry in ClinVar:

ClinVar aggregate classification (germline): Likely benign. Review status: criteria provided, multiple submitters, no conflicts (2 of 4 stars). 2 submissions from 2 submitters: Likely benign (2). Last evaluated 2025-10-13.

Allele frequency attached by ClinVar (database versions not stated): gnomAD exomes below 0.00001.
gnomAD v4.1: 4 of 1,614,212 alleles (0.00025%); highest among the groups gnomAD compares: Non-Finnish European, 0.00034%; no homozygotes.

Submissions (2):

Labcorp Genetics (formerly Invitae), Labcorp
Classification: Likely benign. Last evaluated: 2025-10-13. Review status: criteria provided, single submitter. Criteria: Invitae Variant Classification Sherloc (09022015). Collection method: clinical testing. Allele origin: germline.

CeGaT Center for Human Genetics Tuebingen
Classification: Likely benign. Last evaluated: 2024-04-01. Review status: criteria provided, single submitter. Criteria: CeGaT Center For Human Genetics Tuebingen Variant Classification Criteria Version 2. Collection method: clinical testing. Allele origin: germline. Affected: yes. Observed: 2 variant alleles.
Comment: MTOR: BP4, BP7

NM_004958.4(MTOR):c.6735A>G (p.Thr2245=)

Gene: MTOR (mechanistic target of rapamycin kinase; minus strand). Cytogenetic location: 1p36.22.
Variant type: single nucleotide variant.
Coding change: c.6735A>G on transcript NM_004958.4 (MANE Select); coding-DNA position 6735, A replaced by G.
Protein change: p.Thr2245=; no amino-acid change (threonine 2245 retained).
Molecular consequence: synonymous variant.
Genome position (GRCh38, 1-based): chr1:11,122,054, T>C on the plus strand (A>G on the coding strand, the complement: MTOR is on the minus strand). VCF-style: chr1-11122054-T-C. GRCh37 (hg19) VCF-style: chr1-11182111-T-C.
Identifiers: ClinVar variation 806056 (VCV000806056.45), dbSNP rs1386398922, ClinGen allele CA415919468.